The following is an entry in ClinVar:

ClinVar aggregate classification (germline): Uncertain significance (1 of 4 stars; one submission).

Conditions:
Encephalopathy, acute, infection-induced (herpes-specific), susceptibility to, 6. Also called: Herpes simplex encephalitis, susceptibility to, 4. Identifiers: Orphanet 1930, MedGen C3553869, MONDO:0013921, OMIM 614850.

gnomAD v4.1: 25 of 1,586,690 alleles (0.0016%); highest among the groups gnomAD compares: East Asian, 0.056%; no homozygotes.

Submission:

Labcorp Genetics (formerly Invitae), Labcorp
Classification: Uncertain significance for Encephalopathy, acute, infection-induced (herpes-specific), susceptibility to, 6. Last evaluated: 2023-11-03. Review status: criteria provided, single submitter. Criteria: Invitae Variant Classification Sherloc (09022015). Collection method: clinical testing. Allele origin: germline.
Comment: This sequence change replaces threonine, which is neutral and polar, with arginine, which is basic and polar, at codon 665 of the TICAM1 protein (p.Thr665Arg). This variant is present in population databases (no rsID available, gnomAD 0.006%). This variant has not been reported in the literature in individuals affected with TICAM1-related conditions. ClinVar contains an entry for this variant (Variation ID: 1920343). An algorithm developed to predict the effect of missense changes on protein structure and function (PolyPhen-2) suggests that this variant¬†is likely to be tolerated. In summary, the available evidence is currently insufficient to determine the role of this variant in disease. Therefore, it has been classified as a Variant of Uncertain Significance.

NM_182919.4(TICAM1):c.1994C>G (p.Thr665Arg)

Gene: TICAM1 (TIR domain containing adaptor molecule 1; minus strand). Cytogenetic location: 19p13.3.
Variant type: single nucleotide variant.
Coding change: c.1994C>G on transcript NM_182919.4 (MANE Select); coding-DNA position 1994, C replaced by G.
Protein change: p.Thr665Arg; replaces threonine 665 with arginine.
Molecular consequence: missense variant.
Genome position (GRCh38, 1-based): chr19:4,816,384, G>C on the plus strand (C>G on the coding strand, the complement: TICAM1 is on the minus strand). VCF-style: chr19-4816384-G-C. GRCh37 (hg19) VCF-style: chr19-4816396-G-C.
Other names: c.1952C>G, p.Thr651Arg (NM_001385678.1); c.1859C>G, p.Thr620Arg (NM_001385679.1); c.1352C>G, p.Thr451Arg (NM_001385680.1); short protein forms T451R, T620R, T651R, T665R.
Identifiers: ClinVar variation 1920343 (VCV001920343.4), dbSNP rs779499603, ClinGen allele CA403488403.